The following is an entry in ClinVar:

ClinVar aggregate classification (germline): Conflicting classifications of pathogenicity. Review status: criteria provided, conflicting classifications (1 of 4 stars). 2 submissions from 2 submitters: Uncertain significance (1); Likely benign (1). Last evaluated 2025-11-01.

gnomAD v4.1: 4 of 1,614,196 alleles (0.00025%); highest among the groups gnomAD compares: South Asian, 0.0033%; no homozygotes.

Submissions (2):

CeGaT Center for Human Genetics Tuebingen
Classification: Likely benign. Last evaluated: 2025-11-01. Review status: criteria provided, single submitter. Criteria: CeGaT Center For Human Genetics Tuebingen Variant Classification Criteria Version 2. Collection method: clinical testing. Allele origin: germline. Affected: yes. Observed: 1 variant allele.
Comment: NRXN2: BP1

Ambry Genetics
Classification: Uncertain significance. Last evaluated: 2025-08-30. Review status: criteria provided, single submitter. Criteria: Ambry Variant Classification Scheme 2023. Collection method: clinical testing. Allele origin: germline.

NM_015080.4(NRXN2):c.2246T>C (p.Met749Thr)

Genes: NRXN2 (neurexin 2; minus strand), LOC126861232 (P300/CBP strongly-dependent group 1 enhancer GRCh37_chr11:64426961-64428160; plus strand). Cytogenetic location: 11q13.1.
Variant type: single nucleotide variant.
Coding change: c.2246T>C on transcript NM_015080.4 (MANE Select); coding-DNA position 2246, T replaced by C.
Protein change: p.Met749Thr; replaces methionine 749 with threonine.
Molecular consequence: missense variant.
Genome position (GRCh38, 1-based): chr11:64,660,475, A>G on the plus strand (T>C on the coding strand, the complement: NRXN2 is on the minus strand). VCF-style: chr11-64660475-A-G. GRCh37 (hg19) VCF-style: chr11-64427947-A-G.
Other names: c.2153T>C, p.Met718Thr (NM_138732.3); c.2246T>C, p.Met749Thr (NM_001376262.1); c.2225T>C, p.Met742Thr (NM_001376263.1, NM_001376267.1); c.2201T>C, p.Met734Thr (NM_001376265.1); c.2222T>C, p.Met741Thr (NM_001376266.1); short protein forms M741T, M718T, M734T, M742T, M749T.
Identifiers: ClinVar variation 4122939 (VCV004122939.6).